The following is an entry in ClinVar:

ClinVar aggregate classification (germline): Likely benign (1 of 4 stars; one submission).

Submission:

CeGaT Center for Human Genetics Tuebingen
Classification: Likely benign. Last evaluated: 2025-02-01. Review status: criteria provided, single submitter. Criteria: CeGaT Center For Human Genetics Tuebingen Variant Classification Criteria Version 2. Collection method: clinical testing. Allele origin: germline. Affected: yes. Observed: 1 variant allele.
Comment: IRF2BPL: BP4, BP7

NM_024496.4(IRF2BPL):c.291C>A (p.Ala97=)

Genes: IRF2BPL (interferon regulatory factor 2 binding protein like; minus strand), LOC107984638 (uncharacterized LOC107984638; plus strand). Cytogenetic location: 14q24.3.
Variant type: single nucleotide variant.
Coding change: c.291C>A on transcript NM_024496.4 (MANE Select); coding-DNA position 291, C replaced by A.
Protein change: p.Ala97=; no amino-acid change (alanine 97 retained).
Molecular consequence: synonymous variant. On other transcripts: non-coding transcript variant (3).
Genome position (GRCh38, 1-based): chr14:77,027,502, G>T on the plus strand (C>A on the coding strand, the complement: IRF2BPL is on the minus strand). VCF-style: chr14-77027502-G-T. GRCh37 (hg19) VCF-style: chr14-77493845-G-T.
Identifiers: ClinVar variation 3772537 (VCV003772537.13).